The following is an entry in ClinVar:

NM_000059.4(BRCA2):c.8331+2675C>A

Gene: BRCA2 (BRCA2 DNA repair associated; plus strand). Cytogenetic location: 13q13.1.
Variant type: single nucleotide variant.
Coding change: c.8331+2675C>A on transcript NM_000059.4 (MANE Select); 2675 bases into the intron after coding-DNA position 8331, C replaced by A.
Molecular consequence: intron variant.
Genome position (GRCh38, 1-based): chr13:32,366,208, C>A. VCF-style: chr13-32366208-C-A. GRCh37 (hg19) VCF-style: chr13-32940345-C-A.
Other names: IVS 18+2675C>A.
Identifiers: ClinVar variation 209944 (VCV000209944.1), dbSNP rs9534275, ClinGen allele CA276911.
Genomic context (GRCh38, chr13:32,366,208, plus strand): 5'-TCAATTAGAGCATAATCATACCAAGAAAGTATTTCAAGTAACTTAAAAAATGTTTTATGT[C>A]CCTAGTGGTATATACCCCAAGAACAACAATAGCAACAACAACTATAAAATGAAACAAAAT-3'

ClinVar aggregate classification (germline): Benign (3 of 4 stars; one submission).

Conditions:
Breast-ovarian cancer, familial, susceptibility to, 2 (BROVCA2). Also called: BRCA2 Hereditary Breast and Ovarian Cancer. Identifiers: Orphanet 145, MedGen C2675520, MONDO:0012933, OMIM 612555. Disease mechanism: loss of function.

Allele frequency attached by ClinVar (database versions not stated): TOPMed 0.51447; 1000 Genomes Project 30x 0.51452; 1000 Genomes Project 0.51797; gnomAD 0.52171 and 0.52197.
gnomAD v4.1: 79,129 of 151,914 alleles (52%); highest among the groups gnomAD compares: East Asian, 57%; 20,695 homozygotes.

Submission:

Evidence-based Network for the Interpretation of Germline Mutant Alleles (ENIGMA)
Classification: Benign for Breast-ovarian cancer, familial 2. Last evaluated: 2015-01-12. Review status: reviewed by expert panel. Criteria: ENIGMA BRCA1/2 Classification Criteria (2015). Collection method: curation. Allele origin: germline.
Comment: Class 1 not pathogenic based on frequency >1% in an outbred sampleset. Frequency 0.5524 (Asian), 0.5206 (African), 0.5396 (European), derived from 1000 genomes (2012-04-30).